The following is an entry in ClinVar:

NM_000180.4(GUCY2D):c.935C>A (p.Thr312Lys)

Gene: GUCY2D (guanylate cyclase 2D, retinal; plus strand). Cytogenetic location: 17p13.1.
Variant type: single nucleotide variant.
Coding change: c.935C>A on transcript NM_000180.4 (MANE Select); coding-DNA position 935, C replaced by A.
Protein change: p.Thr312Lys; replaces threonine 312 with lysine.
Molecular consequence: missense variant.
Genome position (GRCh38, 1-based): chr17:8,004,065, C>A. VCF-style: chr17-8004065-C-A. GRCh37 (hg19) VCF-style: chr17-7907383-C-A.
Other names: short protein forms T312K.
Identifiers: ClinVar variation 2931547 (VCV002931547.4), dbSNP rs61749673, ClinGen allele CA397946020.
Genomic context (GRCh38, chr17:8,004,065, plus strand): 5'-TGGCCGCACTCGCCAACAGCTCCCAGCTTCGCAGGGCCCACGATGCCGTGCTCACCCTCA[C>A]GCGCCACTGTCCCTCTGAAGGCAGCGTGCTGGACAGCCTGCGCAGGGCTCAAGAGCGCCG-3'
Protein context (NP_000171.1, residues 302-322): RRAHDAVLTL[Thr312Lys]RHCPSEGSVL

ClinVar aggregate classification (germline): Uncertain significance. Review status: criteria provided, multiple submitters, no conflicts (2 of 4 stars). 2 submissions from 2 submitters: Uncertain significance (2). Last evaluated 2023-09-08.

Conditions:
Leber congenital amaurosis 1 (LCA1). Also called: Congenital absence of the rods and cones; Leber's congenital tapetoretinal degeneration; Leber's congenital tapetoretinal dysplasia; RETINAL BLINDNESS, CONGENITAL; AMAUROSIS CONGENITA OF LEBER I. Identifiers: Orphanet 65, MedGen C2931258, MONDO:0008764, OMIM 204000.
Cone-rod dystrophy 6 (CORD6). Also called: Cone dystrophy progressive; RETINAL CONE DYSTROPHY 2. Identifiers: Orphanet 1872, MedGen C1866293, MONDO:0011143, OMIM 601777.

Submissions (2):

Labcorp Genetics (formerly Invitae), Labcorp
Classification: Uncertain significance for Leber congenital amaurosis 1; Cone-rod dystrophy 6. Last evaluated: 2023-09-08. Review status: criteria provided, single submitter. Criteria: Invitae Variant Classification Sherloc (09022015). Collection method: clinical testing. Allele origin: germline.
Comment: In summary, the available evidence is currently insufficient to determine the role of this variant in disease. Therefore, it has been classified as a Variant of Uncertain Significance. This variant disrupts the p.Thr312 amino acid residue in GUCY2D. Other variant(s) that disrupt this residue have been determined to be pathogenic (PMID: 34048777). This suggests that this residue is clinically significant, and that variants that disrupt this residue are likely to be disease-causing. This sequence change replaces threonine, which is neutral and polar, with lysine, which is basic and polar, at codon 312 of the GUCY2D protein (p.Thr312Lys). This variant is not present in population databases (gnomAD no frequency). This variant has not been reported in the literature in individuals affected with GUCY2D-related conditions. Advanced modeling of protein sequence and biophysical properties (such as structural, functional, and spatial information, amino acid conservation, physicochemical variation, residue mobility, and thermodynamic stability) has been performed at Invitae for this missense variant, however the output from this modeling did not meet the statistical confidence thresholds required to predict the impact of this variant on GUCY2D protein function.

Blueprint Genetics
Classification: Uncertain significance. Last evaluated: 2021-06-11. Review status: criteria provided, single submitter. Criteria: ACMG Guidelines, 2015. Collection method: clinical testing. Allele origin: germline.

Literature cited by the submitters: PubMed 34048777 (cited by Labcorp Genetics (formerly Invitae), Labcorp).